The following is an entry in ClinVar:

ClinVar aggregate classification (germline): Uncertain significance (1 of 4 stars; one submission).

Conditions:
IL1RAPL1-related disorder. Also called: IL1RAPL1-related condition.

Submission:

PreventionGenetics, part of Exact Sciences
Classification: Uncertain significance for IL1RAPL1-related condition. Last evaluated: 2025-03-02. Review status: criteria provided, single submitter. Criteria: ACMG Guidelines, 2015. Collection method: clinical testing. Allele origin: germline.
Comment: The IL1RAPL1 c.1763C>T variant is predicted to result in the amino acid substitution p.Ser588Leu. To our knowledge, this variant has not been reported in the literature or in a large population database (gnomAD), indicating this variant is rare. At this time, the clinical significance of this variant is uncertain due to the absence of conclusive functional and genetic evidence.

NM_014271.4(IL1RAPL1):c.1763C>T (p.Ser588Leu)

Gene: IL1RAPL1 (interleukin 1 receptor accessory protein like 1; plus strand). Cytogenetic location: Xp21.2.
Variant type: single nucleotide variant.
Coding change: c.1763C>T on transcript NM_014271.4 (MANE Select); coding-DNA position 1763, C replaced by T.
Protein change: p.Ser588Leu; replaces serine 588 with leucine.
Molecular consequence: missense variant.
Genome position (GRCh38, 1-based): chrX:29,955,492, C>T. VCF-style: chrX-29955492-C-T. GRCh37 (hg19) VCF-style: chrX-29973609-C-T.
Other names: short protein forms S588L.
Identifiers: ClinVar variation 5001322 (VCV005001322.1).